The following is an entry in ClinVar:

NM_001991.5(EZH1):c.1045A>G (p.Met349Val)

Gene: EZH1 (enhancer of zeste 1 polycomb repressive complex 2 subunit; minus strand). Cytogenetic location: 17q21.2.
Variant type: single nucleotide variant.
Coding change: c.1045A>G on transcript NM_001991.5 (MANE Select); coding-DNA position 1045, A replaced by G.
Protein change: p.Met349Val; replaces methionine 349 with valine.
Molecular consequence: missense variant.
Genome position (GRCh38, 1-based): chr17:42,713,368, T>C on the plus strand (A>G on the coding strand, the complement: EZH1 is on the minus strand). VCF-style: chr17-42713368-T-C. GRCh37 (hg19) VCF-style: chr17-40865386-T-C.
Other names: c.1063A>G, p.Met355Val (NM_001321079.2); c.1018A>G, p.Met340Val (NM_001321081.2); c.925A>G, p.Met309Val (NM_001321082.2); short protein forms M309V, M340V, M349V, M355V.
Identifiers: ClinVar variation 3381297 (VCV003381297.1).

ClinVar aggregate classification (germline): Uncertain significance (1 of 4 stars; one submission).

gnomAD v4.1: 1 of 1,607,474 alleles (0.000062%); highest among the groups gnomAD compares: African/African-American, 0.0013%; no homozygotes.

Submission:

GeneDx
Classification: Uncertain significance. Last evaluated: 2024-05-24. Review status: criteria provided, single submitter. Criteria: GeneDx Variant Classification Process June 2021. Collection method: clinical testing. Allele origin: germline. Affected: yes.
Comment: Not observed at significant frequency in large population cohorts (gnomAD); In silico analysis indicates that this missense variant does not alter protein structure/function; Has not been previously published as pathogenic or benign to our knowledge